The following is an entry in ClinVar:

NM_003628.6(PKP4):c.2661A>T (p.Arg887Ser)

Genes: PKP4 (plakophilin 4; plus strand), PKP4-AS1 (PKP4 antisense RNA 1; minus strand). Cytogenetic location: 2q24.1.
Variant type: single nucleotide variant.
Coding change: c.2661A>T on transcript NM_003628.6 (MANE Select); coding-DNA position 2661, A replaced by T.
Protein change: p.Arg887Ser; replaces arginine 887 with serine.
Molecular consequence: missense variant.
Genome position (GRCh38, 1-based): chr2:158,666,496, A>T. VCF-style: chr2-158666496-A-T. GRCh37 (hg19) VCF-style: chr2-159523008-A-T.
Other names: c.2661A>T, p.Arg887Ser (NM_001005476.4, NM_001304971.2, NM_001377218.1 and 1 more transcripts); c.2658A>T, p.Arg886Ser (NM_001304969.3, NM_001377219.1, NM_001377220.1 and 2 more transcripts); c.1632A>T, p.Arg544Ser (NM_001304970.3); c.2655A>T, p.Arg885Ser (NM_001377222.1, NM_001377223.1); c.2652A>T, p.Arg884Ser (NM_001377224.1); short protein forms R544S, R884S, R885S, R887S, R886S.
Identifiers: ClinVar variation 2561553 (VCV002561553.3), dbSNP rs751587942, ClinGen allele CA1921061.

ClinVar aggregate classification (germline): Uncertain significance (1 of 4 stars; one submission).

Allele frequency attached by ClinVar (database versions not stated): ExAC 0.00002; gnomAD 0.00002; TOPMed 0.00002.
gnomAD v4.1: 36 of 1,613,652 alleles (0.0022%); highest among the groups gnomAD compares: Non-Finnish European, 0.0029%; no homozygotes.

Submission:

Ambry Genetics
Classification: Uncertain significance. Last evaluated: 2025-10-01. Review status: criteria provided, single submitter. Criteria: Ambry Variant Classification Scheme 2023. Collection method: clinical testing. Allele origin: germline.
Comment: The p.R887S variant (also known as c.2661A>T), located in coding exon 15 of the PKP4 gene, results from an A to T substitution at nucleotide position 2661. The arginine at codon 887 is replaced by serine, an amino acid with dissimilar properties. This amino acid position is conserved. In addition, this alteration is predicted to be deleterious by in silico analysis. Since supporting evidence is limited at this time, the clinical significance of this alteration remains unclear.